The following is an entry in ClinVar:

NM_182493.3(MYLK3):c.2143G>A (p.Glu715Lys)

Gene: MYLK3 (myosin light chain kinase 3; minus strand). Cytogenetic location: 16q11.2.
Variant type: single nucleotide variant.
Coding change: c.2143G>A on transcript NM_182493.3 (MANE Select); coding-DNA position 2143, G replaced by A.
Protein change: p.Glu715Lys; replaces glutamic acid 715 with lysine.
Molecular consequence: missense variant.
Genome position (GRCh38, 1-based): chr16:46,710,761, C>T on the plus strand (G>A on the coding strand, the complement: MYLK3 is on the minus strand). VCF-style: chr16-46710761-C-T. GRCh37 (hg19) VCF-style: chr16-46744673-C-T.
Other names: c.1120G>A, p.Glu374Lys (NM_001308301.1); short protein forms E374K, E715K.
Identifiers: ClinVar variation 2848529 (VCV002848529.3), dbSNP rs1355220180, ClinGen allele CA395786854.

ClinVar aggregate classification (germline): Uncertain significance (1 of 4 stars; one submission).

Allele frequency attached by ClinVar (database versions not stated): gnomAD exomes below 0.00001.
gnomAD v4.1: 1 of 1,614,114 alleles (0.000062%); highest among the groups gnomAD compares: Non-Finnish European, 0.000085%; no homozygotes.

Submission:

Labcorp Genetics (formerly Invitae), Labcorp
Classification: Uncertain significance. Last evaluated: 2025-11-10. Review status: criteria provided, single submitter. Criteria: Invitae Variant Classification Sherloc (09022015). Collection method: clinical testing. Allele origin: germline.
Comment: This sequence change replaces glutamic acid, which is acidic and polar, with lysine, which is basic and polar, at codon 715 of the MYLK3 protein (p.Glu715Lys). This variant is present in population databases (no rsID available, gnomAD 0.0009%). This variant has not been reported in the literature in individuals affected with MYLK3-related conditions. ClinVar contains an entry for this variant (Variation ID: 2848529). An algorithm developed to predict the effect of missense changes on protein structure and function (PolyPhen-2) suggests that this variant is likely to be disruptive. In summary, the available evidence is currently insufficient to determine the role of this variant in disease. Therefore, it has been classified as a Variant of Uncertain Significance.